The following is an entry in ClinVar:

NM_000482.4(APOA4):c.498A>T (p.Arg166Ser)

Gene: APOA4 (apolipoprotein A4; minus strand). Cytogenetic location: 11q23.3.
Variant type: single nucleotide variant.
Coding change: c.498A>T on transcript NM_000482.4 (MANE Select); coding-DNA position 498, A replaced by T.
Protein change: p.Arg166Ser; replaces arginine 166 with serine.
Molecular consequence: missense variant.
Genome position (GRCh38, 1-based): chr11:116,821,560, T>A on the plus strand (A>T on the coding strand, the complement: APOA4 is on the minus strand). VCF-style: chr11-116821560-T-A. GRCh37 (hg19) VCF-style: chr11-116692276-T-A.
Other names: c.498A>T (NM_000482.3); short protein forms R166S.
Identifiers: ClinVar variation 3006441 (VCV003006441.4), dbSNP rs1205081092, ClinGen allele CA382702217.

ClinVar aggregate classification (germline): Uncertain significance. Review status: criteria provided, multiple submitters, no conflicts (2 of 4 stars). 2 submissions from 2 submitters: Uncertain significance (2). Last evaluated 2025-04-12.

Allele frequency attached by ClinVar (database versions not stated): TOPMed 0.00001; gnomAD 0.00002.

Submissions (2):

Ambry Genetics
Classification: Uncertain significance. Last evaluated: 2025-04-12. Review status: criteria provided, single submitter. Criteria: Ambry Variant Classification Scheme 2023. Collection method: clinical testing. Allele origin: germline.

Labcorp Genetics (formerly Invitae), Labcorp
Classification: Uncertain significance. Last evaluated: 2023-10-23. Review status: criteria provided, single submitter. Criteria: Invitae Variant Classification Sherloc (09022015). Collection method: clinical testing. Allele origin: germline.
Comment: This sequence change replaces arginine, which is basic and polar, with serine, which is neutral and polar, at codon 166 of the APOA4 protein (p.Arg166Ser). This variant is present in population databases (no rsID available, gnomAD 0.007%). This variant has not been reported in the literature in individuals affected with APOA4-related conditions. Advanced modeling of protein sequence and biophysical properties (such as structural, functional, and spatial information, amino acid conservation, physicochemical variation, residue mobility, and thermodynamic stability) performed at Invitae indicates that this missense variant is not expected to disrupt APOA4 protein function. In summary, the available evidence is currently insufficient to determine the role of this variant in disease. Therefore, it has been classified as a Variant of Uncertain Significance.